The following is an entry in ClinVar:

NM_006208.3(ENPP1):c.2066T>C (p.Met689Thr)

Gene: ENPP1 (ectonucleotide pyrophosphatase/phosphodiesterase 1; plus strand). Cytogenetic location: 6q23.2.
Variant type: single nucleotide variant.
Coding change: c.2066T>C on transcript NM_006208.3 (MANE Select); coding-DNA position 2066, T replaced by C.
Protein change: p.Met689Thr; replaces methionine 689 with threonine.
Molecular consequence: missense variant.
Genome position (GRCh38, 1-based): chr6:131,880,000, T>C. VCF-style: chr6-131880000-T-C. GRCh37 (hg19) VCF-style: chr6-132201140-T-C.
Other names: short protein forms M689T.
Identifiers: ClinVar variation 1940885 (VCV001940885.5), dbSNP rs1562184084, ClinGen allele CA365653403.

ClinVar aggregate classification (germline): Uncertain significance (1 of 4 stars; one submission).

Allele frequency attached by ClinVar (database versions not stated): gnomAD exomes below 0.00001.

Submission:

Labcorp Genetics (formerly Invitae), Labcorp
Classification: Uncertain significance. Last evaluated: 2022-06-15. Review status: criteria provided, single submitter. Criteria: Invitae Variant Classification Sherloc (09022015). Collection method: clinical testing. Allele origin: germline.
Comment: In summary, the available evidence is currently insufficient to determine the role of this variant in disease. Therefore, it has been classified as a Variant of Uncertain Significance. Algorithms developed to predict the effect of missense changes on protein structure and function are either unavailable or do not agree on the potential impact of this missense change (SIFT: "Deleterious"; PolyPhen-2: "Possibly Damaging"; Align-GVGD: "Class C0"). This variant has not been reported in the literature in individuals affected with ENPP1-related conditions. This variant is not present in population databases (gnomAD no frequency). This sequence change replaces methionine, which is neutral and non-polar, with threonine, which is neutral and polar, at codon 689 of the ENPP1 protein (p.Met689Thr).